The following is an entry in ClinVar:

ClinVar aggregate classification (germline): Uncertain significance (1 of 4 stars; one submission).

Allele frequency attached by ClinVar (database versions not stated): TOPMed 0.00003; ESP Exome Variant Server 0.00008; gnomAD 0.00009; ExAC 0.00031; 1000 Genomes Project 0.00040; 1000 Genomes Project 30x 0.00047.
gnomAD v4.1: 217 of 1,614,080 alleles (0.013%); highest among the groups gnomAD compares: South Asian, 0.2%; 2 homozygotes.

Submission:

CeGaT Center for Human Genetics Tuebingen
Classification: Uncertain significance. Last evaluated: 2024-01-01. Review status: criteria provided, single submitter. Criteria: CeGaT Center For Human Genetics Tuebingen Variant Classification Criteria Version 2. Collection method: clinical testing. Allele origin: germline. Affected: yes. Observed: 1 variant allele.
Comment: KIF15: PM2

NM_020242.3(KIF15):c.1865C>T (p.Ser622Phe)

Gene: KIF15 (kinesin family member 15; plus strand). Cytogenetic location: 3p21.31.
Variant type: single nucleotide variant.
Coding change: c.1865C>T on transcript NM_020242.3 (MANE Select); coding-DNA position 1865, C replaced by T.
Protein change: p.Ser622Phe; replaces serine 622 with phenylalanine.
Molecular consequence: missense variant.
Genome position (GRCh38, 1-based): chr3:44,805,880, C>T. VCF-style: chr3-44805880-C-T. GRCh37 (hg19) VCF-style: chr3-44847372-C-T.
Other names: short protein forms S622F.
Identifiers: ClinVar variation 3025261 (VCV003025261.22), dbSNP rs201266748, ClinGen allele CA2346178.